The following is an entry in ClinVar:

ClinVar aggregate classification (germline): Uncertain significance (1 of 4 stars; one submission).

Conditions:
Inborn genetic diseases. Identifiers: MedGen C0950123, MeSH D030342.

gnomAD v4.1: 3 of 1,532,350 alleles (0.0002%); highest among the groups gnomAD compares: East Asian, 0.0025%; no homozygotes.

Submission:

Ambry Genetics
Classification: Uncertain significance for Inborn genetic diseases. Last evaluated: 2026-07-23. Review status: criteria provided, single submitter. Criteria: Ambry Variant Classification Scheme 2023. Collection method: clinical testing. Allele origin: germline.
Comment: The c.920C>G (p.P307R) alteration is located in exon 1 (coding exon 1) of the CDK13 gene. This alteration results from a C to G substitution at nucleotide position 920, causing the proline (P) at amino acid position 307 to be replaced by an arginine (R). Based on data from gnomAD, the G allele has an overall frequency of 0.001% (1/141356) total alleles studied. The highest observed frequency was 0.011% (1/9492) of East Asian alleles. Based on insufficient or conflicting evidence, the clinical significance of this alteration remains unclear.

NM_003718.5(CDK13):c.920C>G (p.Pro307Arg)

Gene: CDK13 (cyclin dependent kinase 13; plus strand). Cytogenetic location: 7p14.1.
Variant type: single nucleotide variant.
Coding change: c.920C>G on transcript NM_003718.5 (MANE Select); coding-DNA position 920, C replaced by G.
Protein change: p.Pro307Arg; replaces proline 307 with arginine.
Molecular consequence: missense variant.
Genome position (GRCh38, 1-based): chr7:39,951,561, C>G. VCF-style: chr7-39951561-C-G. GRCh37 (hg19) VCF-style: chr7-39991160-C-G.
Other names: c.920C>G, p.Pro307Arg (NM_031267.4); short protein forms P307R.
Identifiers: ClinVar variation 5034207 (VCV005034207.1).